The following is an entry in ClinVar:

NM_000059.4(BRCA2):c.4670C>T (p.Thr1557Ile)

Gene: BRCA2 (BRCA2 DNA repair associated; plus strand). Cytogenetic location: 13q13.1.
Variant type: single nucleotide variant.
Coding change: c.4670C>T on transcript NM_000059.4 (MANE Select); coding-DNA position 4670, C replaced by T.
Protein change: p.Thr1557Ile; replaces threonine 1557 with isoleucine.
Molecular consequence: missense variant.
Genome position (GRCh38, 1-based): chr13:32,339,025, C>T. VCF-style: chr13-32339025-C-T. GRCh37 (hg19) VCF-style: chr13-32913162-C-T.
Other names: short protein forms T1557I.
Identifiers: ClinVar variation 236870 (VCV000236870.16), dbSNP rs80358698, ClinGen allele CA10583106.
Genomic context (GRCh38, chr13:32,339,025, plus strand): 5'-AATCTTTGGACAAAGTGAAAAACCTTTTTGATGAAAAAGAGCAAGGTACTAGTGAAATCA[C>T]CAGTTTTAGCCATCAATGGGCAAAGACCCTAAAGTACAGAGAGGCCTGTAAAGACCTTGA-3'
Protein context (NP_000050.3, residues 1547-1567): DEKEQGTSEI[Thr1557Ile]SFSHQWAKTL

ClinVar aggregate classification (germline): Conflicting classifications of pathogenicity. Review status: criteria provided, conflicting classifications (1 of 4 stars). 7 submissions from 7 submitters: Uncertain significance (4); Likely benign (2). 1 of the submissions does not count toward it. Last evaluated 2024-01-10.

Conditions:
Breast and/or ovarian cancer. Identifiers: MedGen CN221562.
Hereditary breast ovarian cancer syndrome. Also called: BRCA1- and BRCA2-Associated Hereditary Breast and Ovarian Cancer; Hereditary breast and ovarian cancer syndrome; Hereditary breast and ovarian cancer; Hereditary breast and ovarian cancer syndrome (HBOC); Breast and ovarian cancer; Hereditary breast and/or ovarian cancer syndrome. Identifiers: Orphanet 145, MedGen C0677776, MeSH D061325, MONDO:0003582. Disease mechanism: loss of function.
Hereditary cancer-predisposing syndrome. Also called: Hereditary neoplastic syndrome; Hereditary Cancer Syndrome; Neoplastic Syndromes, Hereditary; Tumor predisposition. Identifiers: Orphanet 140162, MedGen C0027672, MeSH D009386, MONDO:0015356.

Submissions (7):

Ambry Genetics
Classification: Likely benign for Hereditary cancer-predisposing syndrome. Last evaluated: 2024-01-10. Review status: criteria provided, single submitter. Criteria: Ambry Variant Classification Scheme 2023. Collection method: clinical testing. Allele origin: germline.

University of Washington Department of Laboratory Medicine, University of Washington
Classification: Likely benign for Hereditary cancer-predisposing syndrome. Last evaluated: 2023-03-23. Review status: criteria provided, single submitter. Criteria: Dines et al. (Genet Med. 2020). Collection method: curation. Allele origin: germline.
Comment: Missense variant in a coldspot region where missense variants are very unlikely to be pathogenic (PMID:31911673).

BRCA2 exon 11 coldspot. Reclassification based on statistical prior probability.

Labcorp Genetics (formerly Invitae), Labcorp
Classification: Uncertain significance for Hereditary breast ovarian cancer syndrome. Last evaluated: 2022-07-12. Review status: criteria provided, single submitter. Criteria: Invitae Variant Classification Sherloc (09022015). Collection method: clinical testing. Allele origin: germline.
Comment: In summary, the available evidence is currently insufficient to determine the role of this variant in disease. Therefore, it has been classified as a Variant of Uncertain Significance. Advanced modeling of protein sequence and biophysical properties (such as structural, functional, and spatial information, amino acid conservation, physicochemical variation, residue mobility, and thermodynamic stability) performed at Invitae indicates that this missense variant is not expected to disrupt BRCA2 protein function. ClinVar contains an entry for this variant (Variation ID: 236870). This variant has not been reported in the literature in individuals affected with BRCA2-related conditions. This variant is not present in population databases (gnomAD no frequency). This sequence change replaces threonine, which is neutral and polar, with isoleucine, which is neutral and non-polar, at codon 1557 of the BRCA2 protein (p.Thr1557Ile).

Sema4
Classification: Uncertain significance for Hereditary cancer-predisposing syndrome. Last evaluated: 2022-01-21. Review status: criteria provided, single submitter. Criteria: Sema4 Curation Guidelines. Collection method: curation. Allele origin: germline.
Comment: The BRCA2 c.4670C>T (p.T1557I) variant has not been reported in the literature to our knowledge. It was not observed in the large and broad cohorts of the Genome Aggregation Database (PMID: 32461654). This variant has been reported in ClinVar (Variation ID 236870). Functional studies have not been performed, and in silico predictions of the variant's effect on protein function are inconclusive. The evidence is insufficient to meet ACMG/AMP criteria for classifying the variant as benign or pathogenic. Thus, the clinical significance of this variant is currently uncertain.

Color Diagnostics, LLC DBA Color Health
Classification: Uncertain significance for Hereditary cancer-predisposing syndrome. Last evaluated: 2021-12-15. Review status: criteria provided, single submitter. Criteria: ACMG Guidelines, 2015. Collection method: clinical testing. Allele origin: germline.
Comment: This missense variant replaces threonine with isoleucine at codon 1557 of the BRCA2 protein. Computational prediction suggests that this variant may not impact protein structure and function (internally defined REVEL score threshold <= 0.5, PMID: 27666373). To our knowledge, functional studies have not been reported for this variant. This variant has not been reported in individuals affected with hereditary cancer in the literature. This variant has not been identified in the general population by the Genome Aggregation Database (gnomAD). The available evidence is insufficient to determine the role of this variant in disease conclusively. Therefore, this variant is classified as a Variant of Uncertain Significance.

Women's Health and Genetics/Laboratory Corporation of America, LabCorp
Classification: Uncertain significance. Last evaluated: 2021-07-26. Review status: criteria provided, single submitter. Criteria: LabCorp Variant Classification Summary - May 2015. Collection method: clinical testing. Allele origin: germline.
Comment: Variant summary: BRCA2 c.4670C>T (p.Thr1557Ile) results in a non-conservative amino acid change in the encoded protein sequence. Three of four in-silico tools predict a benign effect of the variant on protein function. The variant was absent in 250958 control chromosomes (gnomAD). The available data on variant occurrences in the general population are insufficient to allow any conclusion about variant significance. To our knowledge, no occurrence of c.4670C>T in individuals affected with Hereditary Breast and Ovarian Cancer Syndrome and no experimental evidence demonstrating its impact on protein function have been reported. Two Clinvar submitters (evaluation after 2014) cite the variant as uncertain significance. Based on the evidence outlined above, the variant was classified as uncertain significance.

Foulkes Cancer Genetics LDI, Lady Davis Institute for Medical Research
Classification: Uncertain significance for Breast and/or ovarian cancer. Last evaluated: 2008-03-03. Review status: no assertion criteria provided. Collection method: clinical testing. Allele origin: germline. Study: The Canadian Open Genetics Repository (COGR). Not counted in ClinVar's aggregate classification.